The following is an entry in ClinVar:

ClinVar aggregate classification (germline): Uncertain significance (1 of 4 stars; one submission).

Conditions:
Anterior segment dysgenesis. Also called: Ocular anterior segment dysgenesis. Identifiers: Orphanet 88632, MedGen C1862839, MONDO:0019503, HP:0007700.
Congenital primary aphakia. Also called: Anterior segment dysgenesis 2, multiple subtypes; ANTERIOR SEGMENT DYSGENESIS 2. Identifiers: Orphanet 83461, MedGen C1853230, MONDO:0012456, OMIM 610256.

Allele frequency attached by ClinVar (database versions not stated): TOPMed below 0.00001; gnomAD 0.00001.

Submission:

Labcorp Genetics (formerly Invitae), Labcorp
Classification: Uncertain significance for Anterior segment dysgenesis; Congenital primary aphakia. Last evaluated: 2025-08-08. Review status: criteria provided, single submitter. Criteria: Invitae Variant Classification Sherloc (09022015). Collection method: clinical testing. Allele origin: germline.
Comment: This sequence change replaces proline, which is neutral and non-polar, with arginine, which is basic and polar, at codon 309 of the FOXE3 protein (p.Pro309Arg). This variant is present in population databases (no rsID available, gnomAD 0.007%). This variant has not been reported in the literature in individuals affected with FOXE3-related conditions. ClinVar contains an entry for this variant (Variation ID: 2140833). An algorithm developed to predict the effect of missense changes on protein structure and function (PolyPhen-2) suggests that this variant is likely to be disruptive. In summary, the available evidence is currently insufficient to determine the role of this variant in disease. Therefore, it has been classified as a Variant of Uncertain Significance.

NM_012186.3(FOXE3):c.926C>G (p.Pro309Arg)

Genes: FOXE3 (forkhead box E3; plus strand), LINC01389 (long independently transcribed non-coding RNA 1389; minus strand). Cytogenetic location: 1p33.
Variant type: single nucleotide variant.
Coding change: c.926C>G on transcript NM_012186.3 (MANE Select); coding-DNA position 926, C replaced by G.
Protein change: p.Pro309Arg; replaces proline 309 with arginine.
Molecular consequence: missense variant.
Genome position (GRCh38, 1-based): chr1:47,417,241, C>G. VCF-style: chr1-47417241-C-G. GRCh37 (hg19) VCF-style: chr1-47882913-C-G.
Other names: short protein forms P309R.
Identifiers: ClinVar variation 2140833 (VCV002140833.4), dbSNP rs1314635556, ClinGen allele CA340251090.